The following is an entry in ClinVar:

NM_000138.5(FBN1):c.2419+1G>A

Gene: FBN1 (fibrillin 1; minus strand). Cytogenetic location: 15q21.1.
Variant type: single nucleotide variant.
Coding change: c.2419+1G>A on transcript NM_000138.5 (MANE Select); the canonical splice donor site of the intron after coding-DNA position 2419, G replaced by A.
Molecular consequence: splice donor variant.
Genome position (GRCh38, 1-based): chr15:48,496,099, C>T on the plus strand (G>A on the coding strand, the complement: FBN1 is on the minus strand). VCF-style: chr15-48496099-C-T. GRCh37 (hg19) VCF-style: chr15-48788296-C-T.
Other names: c.2419+1G>A (NM_001406716.1).
Identifiers: ClinVar variation 519714 (VCV000519714.8), dbSNP rs1555399257, ClinGen allele CA392335047.

ClinVar aggregate classification (germline): Likely pathogenic. Review status: criteria provided, multiple submitters, no conflicts (2 of 4 stars). 3 submissions from 3 submitters: Likely pathogenic (3). Last evaluated 2020-03-25.

Conditions:
Marfan syndrome (MFS). Also called: Marfan syndrome type 1; Marfan syndrome, classic; Marfan's syndrome; FBN1-Related Marfan Syndrome; MARFAN SYNDROME, TYPE I. Identifiers: Orphanet 284963, Orphanet 558, MedGen C0024796, MONDO:0007947, OMIM 154700.
Familial thoracic aortic aneurysm and aortic dissection (TAAD). Also called: Thoracic aortic aneurysms and dissections. Identifiers: Orphanet 91387, MedGen C4707243, MONDO:0019625.
FBN1-related disorder. Also called: FBN1-related disorders.

Allele frequency attached by ClinVar (database versions not stated): gnomAD exomes below 0.00001.
gnomAD v4.1: 1 of 1,613,634 alleles (0.000062%); highest among the groups gnomAD compares: Non-Finnish European, 0.000085%; no homozygotes.

Submissions (3):

Blueprint Genetics
Classification: Likely pathogenic for FBN1-related disorders. Last evaluated: 2020-03-25. Review status: criteria provided, single submitter. Criteria: ACMG Guidelines, 2015. Collection method: clinical testing. Allele origin: germline. Affected: yes. Observed: 1 variant allele.

Molecular Diagnostic Laboratory for Inherited Cardiovascular Disease, Montreal Heart Institute
Classification: Likely pathogenic for Marfan syndrome. Last evaluated: 2019-04-23. Review status: criteria provided, single submitter. Criteria: ACMG Guidelines, 2015. Collection method: clinical testing. Allele origin: germline. Affected: yes.

Ambry Genetics
Classification: Likely pathogenic for Familial thoracic aortic aneurysm and aortic dissection. Last evaluated: 2016-05-18. Review status: criteria provided, single submitter. Criteria: Ambry Variant Classification Scheme 2023. Collection method: clinical testing. Allele origin: germline.
Comment: The c.2419+1G>A intronic variant results from a G to A substitution one nucleotide after coding exon 19 of the FBN1 gene. This variant was not reported in population based cohorts in the following databases: Database of Single Nucleotide Polymorphisms (dbSNP), NHLBI Exome Sequencing Project (ESP), and 1000 Genomes Project. In the ESP, this variant was not observed in 6493 samples (12986 alleles) with coverage at this position. This nucleotide position is highly conserved in available vertebrate species. Using the BDGP and ESEfinder splice site prediction tools, this alteration is predicted to abolish the native splice donor site; however, direct evidence is unavailable. Alterations that disrupt the canonical splice donor site are typically deleterious in nature (ACMG Recommendations for Standards for Interpretation and Reporting of Sequence Variations. Revision 2007. Genet Med. 2008;10:294). As such, this variant is classified as likely pathogenic.